The following is an entry in ClinVar:

ClinVar aggregate classification (germline): Benign/Likely benign. Review status: criteria provided, multiple submitters, no conflicts (2 of 4 stars). 4 submissions from 4 submitters: Benign (1); Likely benign (3). Last evaluated 2025-08-27.

Conditions:
Hereditary cancer-predisposing syndrome. Also called: Tumor predisposition; Neoplastic Syndromes, Hereditary; Hereditary Cancer Syndrome; Hereditary neoplastic syndrome. Identifiers: Orphanet 140162, MedGen C0027672, MeSH D009386, MONDO:0015356.
Breast-ovarian cancer, familial, susceptibility to, 3. Also called: RAD51C-Related Breast/Ovarian Cancer. Identifiers: Orphanet 145, MedGen C3150659, MONDO:0013253, OMIM 613399.
Fanconi anemia complementation group O. Also called: RAD51C-Related Fanconi Anemia. Identifiers: Orphanet 84, MedGen C3150653, MONDO:0013248, OMIM 613390.

gnomAD v4.1: 1 of 1,614,208 alleles (0.000062%); highest among the groups gnomAD compares: Admixed American, 0.0017%; no homozygotes.

Submissions (4):

Labcorp Genetics (formerly Invitae), Labcorp
Classification: Likely benign for Fanconi anemia complementation group O. Last evaluated: 2025-08-27. Review status: criteria provided, single submitter. Criteria: Invitae Variant Classification Sherloc (09022015). Collection method: clinical testing. Allele origin: germline.

Ambry Genetics
Classification: Likely benign for Hereditary cancer-predisposing syndrome. Last evaluated: 2025-03-26. Review status: criteria provided, single submitter. Criteria: Ambry Variant Classification Scheme 2023. Collection method: clinical testing. Allele origin: germline.

Quest Diagnostics Nichols Institute San Juan Capistrano
Classification: Likely benign. Last evaluated: 2025-02-28. Review status: criteria provided, single submitter. Criteria: Quest Diagnostics criteria. Collection method: clinical testing. Allele origin: unknown.

Myriad Genetics, Inc.
Classification: Benign for Breast-ovarian cancer, familial, susceptibility to, 3. Last evaluated: 2025-02-14. Review status: criteria provided, single submitter. Criteria: Myriad Autosomal Dominant, Autosomal Recessive and X-Linked Classification Criteria (2023). Collection method: clinical testing. Allele origin: unknown.
Comment: This variant is considered benign. This variant is a silent/synonymous amino acid change and it is not expected to impact splicing.

NM_058216.3(RAD51C):c.15G>C (p.Thr5=)

Gene: RAD51C (RAD51 paralog C; plus strand). Cytogenetic location: 17q22.
Variant type: single nucleotide variant.
Coding change: c.15G>C on transcript NM_058216.3 (MANE Select); coding-DNA position 15, G replaced by C.
Protein change: p.Thr5=; no amino-acid change (threonine 5 retained).
Molecular consequence: synonymous variant. On other transcripts: non-coding transcript variant (2).
Genome position (GRCh38, 1-based): chr17:58,692,658, G>C. VCF-style: chr17-58692658-G-C. GRCh37 (hg19) VCF-style: chr17-56770019-G-C.
Other names: c.15G>C (NM_058216.2); c.15G>C, p.Thr5= (NM_002876.4).
Identifiers: ClinVar variation 3903789 (VCV003903789.4).